The following is an entry in ClinVar:

ClinVar aggregate classification (germline): Uncertain significance. Review status: criteria provided, multiple submitters, no conflicts (2 of 4 stars). 3 submissions from 3 submitters: Uncertain significance (3). Last evaluated 2024-03-20.

Conditions:
Inborn genetic diseases. Identifiers: MedGen C0950123, MeSH D030342.

Allele frequency attached by ClinVar (database versions not stated): gnomAD 0.00001; TOPMed 0.00003; gnomAD exomes 0.00004 and 0.00008; ExAC 0.00041.
gnomAD v4.1: 56 of 1,574,998 alleles (0.0036%); highest among the groups gnomAD compares: South Asian, 0.017%; 1 homozygote.

Submissions (3):

Ambry Genetics
Classification: Uncertain significance for Inborn genetic diseases. Last evaluated: 2024-03-20. Review status: criteria provided, single submitter. Criteria: Ambry Variant Classification Scheme 2023. Collection method: clinical testing. Allele origin: germline.

Labcorp Genetics (formerly Invitae), Labcorp
Classification: Uncertain significance. Last evaluated: 2022-07-21. Review status: criteria provided, single submitter. Criteria: Invitae Variant Classification Sherloc (09022015). Collection method: clinical testing. Allele origin: germline.
Comment: This sequence change replaces alanine, which is neutral and non-polar, with valine, which is neutral and non-polar, at codon 1191 of the TRAPPC9 protein (p.Ala1191Val). This variant is present in population databases (rs750167029, gnomAD 0.02%), including at least one homozygous and/or hemizygous individual. This variant has not been reported in the literature in individuals affected with TRAPPC9-related conditions. ClinVar contains an entry for this variant (Variation ID: 212433). Algorithms developed to predict the effect of missense changes on protein structure and function are either unavailable or do not agree on the potential impact of this missense change (SIFT: "Not Available"; PolyPhen-2: "Benign"; Align-GVGD: "Not Available"). Experimental studies and prediction algorithms are not available or were not evaluated, and the effect of this variant on mRNA splicing is currently unknown. In summary, the available evidence is currently insufficient to determine the role of this variant in disease. Therefore, it has been classified as a Variant of Uncertain Significance.

Genetic Services Laboratory, University of Chicago
Classification: Uncertain significance. Last evaluated: 2014-12-22. Review status: criteria provided, single submitter. Criteria: ACMG Guidelines, 2015. Collection method: clinical testing. Allele origin: germline.

NM_001160372.4(TRAPPC9):c.3278C>T (p.Ala1093Val)

Gene: TRAPPC9 (trafficking protein particle complex subunit 9; minus strand). Cytogenetic location: 8q24.3.
Variant type: single nucleotide variant.
Coding change: c.3278C>T on transcript NM_001160372.4 (MANE Select); coding-DNA position 3278, C replaced by T.
Protein change: p.Ala1093Val; replaces alanine 1093 with valine.
Molecular consequence: missense variant. On other transcripts: non-coding transcript variant (1).
Genome position (GRCh38, 1-based): chr8:139,731,980, G>A on the plus strand (C>T on the coding strand, the complement: TRAPPC9 is on the minus strand). VCF-style: chr8-139731980-G-A. GRCh37 (hg19) VCF-style: chr8-140744223-G-A.
Other names: c.3251C>T, p.Ala1084Val (NM_001321646.2); c.3299C>T, p.Ala1100Val (NM_001374682.1); c.3167C>T, p.Ala1056Val (NM_001374683.1); c.3134C>T, p.Ala1045Val (NM_001374684.1); c.3278C>T, p.Ala1093Val (NM_031466.8); short protein forms A1093V, A1084V, A1045V, A1056V, A1100V.
Identifiers: ClinVar variation 212433 (VCV000212433.8), dbSNP rs750167029, ClinGen allele CA205570.